The following is an entry in ClinVar:

ClinVar aggregate classification (germline): Uncertain significance. Review status: criteria provided, multiple submitters, no conflicts (2 of 4 stars). 2 submissions from 2 submitters: Uncertain significance (2). Last evaluated 2026-08-23.

Allele frequency attached by ClinVar (database versions not stated): gnomAD exomes 0.00001.
gnomAD v4.1: 4 of 1,590,182 alleles (0.00025%); highest among the groups gnomAD compares: South Asian, 0.0046%; no homozygotes.

Submissions (2):

Ambry Genetics
Classification: Uncertain significance. Last evaluated: 2026-08-23. Review status: criteria provided, single submitter. Criteria: Ambry Variant Classification Scheme 2023. Collection method: clinical testing. Allele origin: germline.
Comment: The p.T225N variant (also known as c.674C>A), located in coding exon 3 of the GALNT12 gene, results from a C to A substitution at nucleotide position 674. The threonine at codon 225 is replaced by asparagine, an amino acid with similar properties. This amino acid position is conserved. In addition, the in silico prediction for this alteration is inconclusive. Based on the available evidence, the clinical significance of this variant remains unclear.

Labcorp Genetics (formerly Invitae), Labcorp
Classification: Uncertain significance. Last evaluated: 2025-03-31. Review status: criteria provided, single submitter. Criteria: Invitae Variant Classification Sherloc (09022015). Collection method: clinical testing. Allele origin: germline.
Comment: This sequence change replaces threonine, which is neutral and polar, with asparagine, which is neutral and polar, at codon 225 of the GALNT12 protein (p.Thr225Asn). The frequency data for this variant in the population databases is considered unreliable, as metrics indicate poor data quality at this position in the gnomAD database. This variant has not been reported in the literature in individuals affected with GALNT12-related conditions. ClinVar contains an entry for this variant (Variation ID: 410574). Invitae Evidence Modeling of protein sequence and biophysical properties (such as structural, functional, and spatial information, amino acid conservation, physicochemical variation, residue mobility, and thermodynamic stability) indicates that this missense variant is expected to disrupt GALNT12 protein function with a positive predictive value of 80%. In summary, the available evidence is currently insufficient to determine the role of this variant in disease. Therefore, it has been classified as a Variant of Uncertain Significance.

NM_024642.5(GALNT12):c.674C>A (p.Thr225Asn)

Gene: GALNT12 (polypeptide N-acetylgalactosaminyltransferase 12; plus strand). Cytogenetic location: 9q22.33.
Variant type: single nucleotide variant.
Coding change: c.674C>A on transcript NM_024642.5 (MANE Select); coding-DNA position 674, C replaced by A.
Protein change: p.Thr225Asn; replaces threonine 225 with asparagine.
Molecular consequence: missense variant.
Genome position (GRCh38, 1-based): chr9:98,826,884, C>A. VCF-style: chr9-98826884-C-A. GRCh37 (hg19) VCF-style: chr9-101589166-C-A.
Other names: short protein forms T225N.
Identifiers: ClinVar variation 410574 (VCV000410574.11), dbSNP rs867921388, ClinGen allele CA16612952.